The following is an entry in ClinVar:

ClinVar aggregate classification (germline): Uncertain significance (1 of 4 stars; one submission).

Conditions:
Cornelia de Lange syndrome 5 (CDLS5). Also called: HDAC8-Related Cornelia de Lange Syndrome. Identifiers: Orphanet 199, MedGen C3550903, MONDO:0010471, OMIM 300882.

Allele frequency attached by ClinVar (database versions not stated): gnomAD exomes below 0.00001.
gnomAD v4.1: 1 of 1,201,593 alleles (0.000083%); highest among the groups gnomAD compares: South Asian, 0.0018%; no homozygotes.

Submission:

Labcorp Genetics (formerly Invitae), Labcorp
Classification: Uncertain significance for Cornelia de Lange syndrome 5. Last evaluated: 2024-01-11. Review status: criteria provided, single submitter. Criteria: Invitae Variant Classification Sherloc (09022015). Collection method: clinical testing. Allele origin: germline.
Comment: This sequence change replaces glycine, which is neutral and non-polar, with arginine, which is basic and polar, at codon 371 of the HDAC8 protein (p.Gly371Arg). This variant also falls at the last nucleotide of exon 10, which is part of the consensus splice site for this exon. This variant is not present in population databases (gnomAD no frequency). This variant has not been reported in the literature in individuals affected with HDAC8-related conditions. An algorithm developed to predict the effect of missense changes on protein structure and function (PolyPhen-2) suggests that this variant is likely to be tolerated. Variants that disrupt the consensus splice site are a relatively common cause of aberrant splicing (PMID: 17576681, 9536098). In summary, the available evidence is currently insufficient to determine the role of this variant in disease. Therefore, it has been classified as a Variant of Uncertain Significance.

Literature cited by the submitters: PubMed 17576681; PubMed 9536098.

NM_018486.3(HDAC8):c.1111G>A (p.Gly371Arg)

Gene: HDAC8 (histone deacetylase 8; minus strand). Cytogenetic location: Xq13.1.
Variant type: single nucleotide variant.
Coding change: c.1111G>A on transcript NM_018486.3 (MANE Select); coding-DNA position 1111, G replaced by A.
Protein change: p.Gly371Arg; replaces glycine 371 with arginine.
Molecular consequence: missense variant. On other transcripts: non-coding transcript variant (1).
Genome position (GRCh38, 1-based): chrX:72,351,733, C>T on the plus strand (G>A on the coding strand, the complement: HDAC8 is on the minus strand). VCF-style: chrX-72351733-C-T. GRCh37 (hg19) VCF-style: chrX-71571583-C-T.
Other names: c.838G>A, p.Gly280Arg (NM_001166418.2); c.1111G>A, p.Glu371Lys (NM_001410725.1); c.1033G>A, p.Gly345Arg (NM_001410727.1); c.838G>A, p.Glu280Lys (NM_001410728.1); short protein forms E280K, G280R, G345R, E371K, G371R.
Identifiers: ClinVar variation 2793496 (VCV002793496.3), dbSNP rs2519784221, ClinGen allele CA413638329.